The following is an entry in ClinVar:

ClinVar aggregate classification (germline): Pathogenic/Likely pathogenic. Review status: criteria provided, multiple submitters, no conflicts (2 of 4 stars). 2 submissions from 2 submitters: Pathogenic (1); Likely pathogenic (1). Last evaluated 2023-06-14.

Conditions:
Autism spectrum disorder due to AUTS2 deficiency (MRD26). Also called: INTELLECTUAL DEVELOPMENTAL DISORDER, AUTOSOMAL DOMINANT 26. Identifiers: Orphanet 352490, MedGen C4014435, MONDO:0014361, OMIM 615834.

Submissions (2):

3billion
Classification: Pathogenic for Autism spectrum disorder due to AUTS2 deficiency. Last evaluated: 2023-06-14. Review status: criteria provided, single submitter. Criteria: ACMG Guidelines, 2015. Collection method: clinical testing. Allele origin: germline. Affected: yes.
Comment: The variant is not observed in the gnomAD v2.1.1 dataset. Predicted Consequence/Location: Stop-gained (nonsense): predicted to result in a loss or disruption of normal protein function through nonsense-mediated decay (NMD) or protein truncation. Multiple pathogenic variants are reported downstream of the variant. The variant has been reported to be associated with AUTS2 related disorder (ClinVar ID: VCV000546063). Therefore, this variant is classified as Pathogenic according to the recommendation of ACMG/AMP guideline.

GeneDx
Classification: Likely pathogenic. Last evaluated: 2018-05-17. Review status: criteria provided, single submitter. Criteria: GeneDx Variant Classification (06012015). Collection method: clinical testing. Allele origin: germline. Affected: yes.
Comment: The c.1464_1467delCTCA variant in the AUTS2 gene has not been reported previously as a pathogenic variant nor as a benign variant, to our knowledge. The c.1464_1467delCTCA variant causes a frameshift, changing codon Tyrosine 488 to a premature Stop codon, denoted p.Tyr488Ter. This variant is predicted to cause loss of normal protein function either through protein truncation or nonsense-mediated mRNA decay. The c.1464_1467delCTCA variant is not observed in large population cohorts (Lek et al., 2016). We interpret c.1464_1467delCTCA as a likely pathogenic variant.

NM_015570.4(AUTS2):c.1464_1467del (p.Thr487_Tyr488insTer)

Gene: AUTS2 (activator of transcription and developmental regulator AUTS2; plus strand). Cytogenetic location: 7q11.22.
Variant type: Deletion.
Coding change: c.1464_1467del on transcript NM_015570.4 (MANE Select); coding-DNA positions 1464 to 1467, 4 bases deleted (CTCA; older notation c.1464_1467delCTCA).
Protein change: p.Thr487_Tyr488insTer.
Molecular consequence: nonsense.
Genome position (GRCh38, 1-based): chr7:70,765,001-70,765,004, CTCA deleted; deleting any 4 consecutive bases within chr7:70,765,000-70,765,004 gives the same sequence; the c. name uses the placement nearest the transcript's 3' end. VCF-style (leftmost placement, unchanged base first): chr7-70764999-TACTC-T. GRCh37 (hg19) VCF-style: chr7-70229985-TACTC-T.
Other names: c.1464_1467del, p.Thr487_Tyr488insTer (NM_001127231.3).
Identifiers: ClinVar variation 546063 (VCV000546063.3), dbSNP rs1554481395, ClinGen allele CA658822495.